The following is an entry in ClinVar:

NM_198525.3(KIF7):c.3344A>T (p.His1115Leu)

Genes: KIF7 (kinesin family member 7; minus strand), LOC126862216 (BRD4-independent group 4 enhancer GRCh37_chr15:90171995-90173194; plus strand). Cytogenetic location: 15q26.1.
Variant type: single nucleotide variant.
Coding change: c.3344A>T on transcript NM_198525.3 (MANE Select); coding-DNA position 3344, A replaced by T.
Protein change: p.His1115Leu; replaces histidine 1115 with leucine.
Molecular consequence: missense variant.
Genome position (GRCh38, 1-based): chr15:89,629,548, T>A on the plus strand (A>T on the coding strand, the complement: KIF7 is on the minus strand). VCF-style: chr15-89629548-T-A. GRCh37 (hg19) VCF-style: chr15-90172779-T-A.
Other names: short protein forms H1115L.
Identifiers: ClinVar variation 2229594 (VCV002229594.3), dbSNP rs2505415729, ClinGen allele CA393755726.

ClinVar aggregate classification (germline): Uncertain significance (1 of 4 stars; one submission).

Conditions:
Inborn genetic diseases. Identifiers: MedGen C0950123, MeSH D030342.

Submission:

Ambry Genetics
Classification: Uncertain significance for Inborn genetic diseases. Last evaluated: 2024-12-04. Review status: criteria provided, single submitter. Criteria: Ambry Variant Classification Scheme 2023. Collection method: clinical testing. Allele origin: germline.
Comment: The c.3344A>T (p.H1115L) alteration is located in exon 17 (coding exon 16) of the KIF7 gene. This alteration results from a A to T substitution at nucleotide position 3344, causing the histidine (H) at amino acid position 1115 to be replaced by a leucine (L). The p.H1115L alteration is predicted to be tolerated by in silico analysis. Based on insufficient or conflicting evidence, the clinical significance of this alteration remains unclear.